The following is an entry in ClinVar:

NM_002693.3(POLG):c.2827C>T (p.Arg943Cys)

Gene: POLG (DNA polymerase gamma, catalytic subunit; minus strand). Cytogenetic location: 15q26.1.
Variant type: single nucleotide variant.
Coding change: c.2827C>T on transcript NM_002693.3 (MANE Select); coding-DNA position 2827, C replaced by T.
Protein change: p.Arg943Cys; replaces arginine 943 with cysteine.
Molecular consequence: missense variant.
Genome position (GRCh38, 1-based): chr15:89,320,920, G>A on the plus strand (C>T on the coding strand, the complement: POLG is on the minus strand). VCF-style: chr15-89320920-G-A. GRCh37 (hg19) VCF-style: chr15-89864151-G-A.
Other names: c.2827C>T, p.Arg943Cys (NM_001126131.2); short protein forms R943C.
Identifiers: ClinVar variation 619301 (VCV000619301.12), dbSNP rs1567186614, ClinGen allele CA10602242.

ClinVar aggregate classification (germline): Pathogenic/Likely pathogenic. Review status: criteria provided, multiple submitters, no conflicts (2 of 4 stars). 5 submissions from 5 submitters: Pathogenic (3); Likely pathogenic (2). Last evaluated 2026-02-09.

Conditions:
POLG-related disorder. Also called: POLG-Related Spectrum Disorders; POLG-related condition; POLG-Related Disorders. Identifiers: MedGen C4763519.
Possible mitochondrial disorder - nuclear genes.
Progressive sclerosing poliodystrophy (MTDPS4A). Also called: Mitochondrial DNA Depletion Syndrome 4A; ALPERS PROGRESSIVE INFANTILE POLIODYSTROPHY; Alpers Syndrome; NEURONAL DEGENERATION OF CHILDHOOD WITH LIVER DISEASE, PROGRESSIVE; Alpers-Huttenlocher Syndrome (AHS); ALPERS DIFFUSE DEGENERATION OF CEREBRAL GRAY MATTER WITH HEPATIC CIRRHOSIS. Identifiers: Orphanet 726, MedGen C0205710, MONDO:0008758, OMIM 203700.

Allele frequency attached by ClinVar (database versions not stated): gnomAD exomes below 0.00001.
gnomAD v4.1: 1 of 1,613,996 alleles (0.000062%); highest among the groups gnomAD compares: Non-Finnish European, 0.000085%; no homozygotes.

Submissions (5):

Genetics Laboratory, Great Ormond Street Hospital NHS Foundation Trust, North Thames Genomic Laboratory Hub
Classification: Likely pathogenic for Possible mitochondrial disorder - nuclear genes. Last evaluated: 2026-02-09. Review status: criteria provided, single submitter. Criteria: ACGS Best Practice Guidelines for Variant Classification in Rare Disease 2024 v1.2. Collection method: clinical testing. Allele origin: germline. Affected: yes.
Comment: PM2_moderate, PP3_supporting, PM5_moderate, PM3_strong

PreventionGenetics, part of Exact Sciences
Classification: Pathogenic for POLG-related condition. Last evaluated: 2025-09-23. Review status: criteria provided, single submitter. Criteria: ACMG Guidelines, 2015. Collection method: clinical testing. Allele origin: germline.
Comment: The POLG c.2827C>T variant is predicted to result in the amino acid substitution p.Arg943Cys. This variant has been reported in the compound heterozygous state in several individuals with clinical features of POLG-related disease (Wong et al. 2008. PubMed ID: 18546365; Castiglioni et al. 2018. PubMed ID: 29358615; Sato et al. 2011. PubMed ID: 21301859). It has not been reported in a large population database (gnomAD), indicating this variant is rare. An alternate missense, p.Arg943His, has been shown to segregate in one family with autosomal dominant progressive external opthalmoplegia (PEO) (Lamantea et al. 2002. PubMed ID: 12210792) as well as in three siblings with autosomal dominant premature ovarian failure (Blok et al. 2009. PubMed ID: 19578034). This variant is interpreted as pathogenic for autosomal recessive POLG-related disorders.

Labcorp Genetics (formerly Invitae), Labcorp
Classification: Pathogenic for Progressive sclerosing poliodystrophy. Last evaluated: 2024-11-13. Review status: criteria provided, single submitter. Criteria: Invitae Variant Classification Sherloc (09022015). Collection method: clinical testing. Allele origin: germline.
Comment: This sequence change replaces arginine, which is basic and polar, with cysteine, which is neutral and slightly polar, at codon 943 of the POLG protein (p.Arg943Cys). This variant is not present in population databases (gnomAD no frequency). This missense change has been observed in individual(s) with autosomal recessive POLG-related conditions (PMID: 18546365, 21301859, 29358615). In at least one individual the data is consistent with being in trans (on the opposite chromosome) from a pathogenic variant. ClinVar contains an entry for this variant (Variation ID: 619301). Invitae Evidence Modeling of protein sequence and biophysical properties (such as structural, functional, and spatial information, amino acid conservation, physicochemical variation, residue mobility, and thermodynamic stability) indicates that this missense variant is expected to disrupt POLG protein function with a positive predictive value of 95%. For these reasons, this variant has been classified as Pathogenic.

GeneDx
Classification: Likely pathogenic. Last evaluated: 2023-10-12. Review status: criteria provided, single submitter. Criteria: GeneDx Variant Classification Process June 2021. Collection method: clinical testing. Allele origin: germline. Affected: yes.
Comment: Not observed at significant frequency in large population cohorts (gnomAD); In silico analysis supports that this missense variant has a deleterious effect on protein structure/function; This variant is associated with the following publications: (PMID: 19578034, 18546365, 29358615, 21301859)

Wong Mito Lab, Molecular and Human Genetics, Baylor College of Medicine
Classification: Pathogenic for Progressive sclerosing poliodystrophy. Last evaluated: 2018-10-01. Review status: criteria provided, single submitter. Criteria: ACMG Guidelines, 2015. Collection method: clinical testing. Allele origin: germline.
Comment: The NM_002693.2:c.2827C>T (NP_002684.1:p.Arg943Cys) [GRCH38: NC_000015.10:g.89320920G>A] variant in POLG gene is interpretated to be a Pathogenic based on ACMG guidelines (PMID: 25741868). This variant has been reported in PMID:18546365 ; 21301859 . This variant meets the following evidence codes reported in the ACMG-guideline. PS1:This variation causes same amino-acid change as an established pathogenic variant. PS3:Well established functional studies show a deleterious effect on POLG. PM2:This variant is absent in key population databases. PM3:Detected in trans with a pathogenic variant for Mitochondrial DNA depletion syndrome 4A (Alpers type) which is a recessive disorder. PP1:This variant is co-segregated with Mitochondrial DNA depletion syndrome 4A (Alpers type) in multiple affected family members. PP4:Patient's phenotype or family history is highly specific for POLG. Based on the evidence criteria codes applied, the variant is suggested to be Pathogenic.

Literature cited by the submitters: PubMed 18546365 (cited by Labcorp Genetics (formerly Invitae), Labcorp and Wong Mito Lab, Molecular and Human Genetics, Baylor College of Medicine); PubMed 21301859 (cited by Labcorp Genetics (formerly Invitae), Labcorp and Wong Mito Lab, Molecular and Human Genetics, Baylor College of Medicine); PubMed 29358615 (cited by Labcorp Genetics (formerly Invitae), Labcorp).